The following is an entry in ClinVar:

ClinVar aggregate classification (germline): Uncertain significance. Review status: criteria provided, multiple submitters, no conflicts (2 of 4 stars). 5 submissions from 5 submitters: Uncertain significance (5). Last evaluated 2026-03-27.

Conditions:
SCN10A-related disorder. Also called: SCN10A-related condition.
Cardiovascular phenotype. Identifiers: MedGen CN230736.
Brugada syndrome. Also called: Sudden unexpected nocturnal death syndrome; Sudden Unexplained Death Syndrome; Sudden Unexplained Nocturnal Death Syndrome (SUNDS); Sudden unexplained nocturnal death syndrome. Identifiers: Orphanet 130, MedGen C1142166, MONDO:0015263.

Allele frequency attached by ClinVar (database versions not stated): gnomAD 0.00001; TOPMed 0.00002; ExAC 0.00003; gnomAD exomes 0.00003 and 0.00004.

Submissions (5):

PreventionGenetics, part of Exact Sciences
Classification: Uncertain significance for SCN10A-related condition. Last evaluated: 2026-03-27. Review status: criteria provided, single submitter. Criteria: ACMG Guidelines, 2015. Collection method: clinical testing. Allele origin: germline.
Comment: The SCN10A c.5626A>G variant is predicted to result in the amino acid substitution p.Thr1876Ala. To our knowledge, this variant has not been reported in the literature. This variant is reported in 0.0054% of alleles in individuals of European (Non-Finnish) descent in gnomAD. At this time, the clinical significance of this variant is uncertain due to the absence of conclusive functional and genetic evidence.

Labcorp Genetics (formerly Invitae), Labcorp
Classification: Uncertain significance for Brugada syndrome. Last evaluated: 2025-12-24. Review status: criteria provided, single submitter. Criteria: Invitae Variant Classification Sherloc (09022015). Collection method: clinical testing. Allele origin: germline.
Comment: This sequence change replaces threonine, which is neutral and polar, with alanine, which is neutral and non-polar, at codon 1876 of the SCN10A protein (p.Thr1876Ala). This variant is present in population databases (rs759136534, gnomAD 0.005%). This variant has not been reported in the literature in individuals affected with SCN10A-related conditions. ClinVar contains an entry for this variant (Variation ID: 391917). Invitae Evidence Modeling of protein sequence and biophysical properties (such as structural, functional, and spatial information, amino acid conservation, physicochemical variation, residue mobility, and thermodynamic stability) indicates that this missense variant is not expected to disrupt SCN10A protein function with a negative predictive value of 80%. In summary, the available evidence is currently insufficient to determine the role of this variant in disease. Therefore, it has been classified as a Variant of Uncertain Significance.

Women's Health and Genetics/Laboratory Corporation of America, LabCorp
Classification: Uncertain significance. Last evaluated: 2025-11-19. Review status: criteria provided, single submitter. Criteria: LabCorp Variant Classification Summary - May 2015. Collection method: clinical testing. Allele origin: germline.
Comment: Variant summary: SCN10A c.5626A>G (p.Thr1876Ala) results in a non-conservative amino acid change in the encoded protein sequence. Algorithms developed to predict the effect of missense changes on protein structure and function are either unavailable or do not agree on the potential impact of this missense change. The variant allele was found at a frequency of 3.2e-05 in 251154 control chromosomes. The available data on variant occurrences in the general population are insufficient to allow any conclusion about variant significance. To our knowledge, no occurrence of c.5626A>G in individuals affected with SCN10A-related conditions and no experimental evidence demonstrating its impact on protein function have been reported. ClinVar contains an entry for this variant (Variation ID: 391917). Based on the evidence outlined above, the variant was classified as uncertain significance.

Ambry Genetics
Classification: Uncertain significance for Cardiovascular phenotype. Last evaluated: 2023-05-21. Review status: criteria provided, single submitter. Criteria: Ambry Variant Classification Scheme 2023. Collection method: clinical testing. Allele origin: germline.
Comment: The p.T1876A variant (also known as c.5626A>G), located in coding exon 27 of the SCN10A gene, results from an A to G substitution at nucleotide position 5626. The threonine at codon 1876 is replaced by alanine, an amino acid with similar properties. This amino acid position is poorly conserved in available vertebrate species. In addition, this alteration is predicted to be tolerated by in silico analysis. Since supporting evidence is limited at this time, the clinical significance of this alteration remains unclear.

GeneDx
Classification: Uncertain significance. Last evaluated: 2023-05-17. Review status: criteria provided, single submitter. Criteria: GeneDx Variant Classification Process June 2021. Collection method: clinical testing. Allele origin: germline. Affected: yes.
Comment: In silico analysis supports that this missense variant does not alter protein structure/function; Has not been previously published as pathogenic or benign to our knowledge

NM_006514.4(SCN10A):c.5626A>G (p.Thr1876Ala)

Gene: SCN10A (sodium voltage-gated channel alpha subunit 10; minus strand). Cytogenetic location: 3p22.2.
Variant type: single nucleotide variant.
Coding change: c.5626A>G on transcript NM_006514.4 (MANE Select); coding-DNA position 5626, A replaced by G.
Protein change: p.Thr1876Ala; replaces threonine 1876 with alanine.
Molecular consequence: missense variant.
Genome position (GRCh38, 1-based): chr3:38,697,594, T>C on the plus strand (A>G on the coding strand, the complement: SCN10A is on the minus strand). VCF-style: chr3-38697594-T-C. GRCh37 (hg19) VCF-style: chr3-38739085-T-C.
Other names: c.5623A>G, p.Thr1875Ala (NM_001293306.2); c.5332A>G, p.Thr1778Ala (NM_001293307.2); short protein forms T1876A, T1875A, T1778A.
Identifiers: ClinVar variation 391917 (VCV000391917.14), dbSNP rs759136534, ClinGen allele CA2319633.